The following is an entry in ClinVar:

ClinVar aggregate classification (germline): Uncertain significance. Review status: reviewed by expert panel (3 of 4 stars). 23 submissions from 22 submitters: Uncertain significance (1). 22 of the submissions do not count toward it. Last evaluated 2025-08-01.

Conditions:
Central core myopathy (CMYO1A). Also called: CONGENITAL MYOPATHY 1A, AUTOSOMAL DOMINANT, WITH SUSCEPTIBILITY TO MALIGNANT HYPERTHERMIA; Central core disease; Myopathy, central fibrillar. Identifiers: Orphanet 597, MedGen C5830701, MONDO:0007294, OMIM 117000.
Congenital multicore myopathy with external ophthalmoplegia (CMYO1B). Also called: Minicore myopathy with external ophthalmoplegia; MULTIMINICORE DISEASE WITH EXTERNAL OPHTHALMOPLEGIA; Congenital myopathy 1B, autosomal recessive; Minicore myopathy; MULTICORE MYOPATHY. Identifiers: Orphanet 598, Orphanet 98905, MedGen C1850674, MONDO:0009712, OMIM 255320, HP:0003789.
Congenital myopathy with fiber type disproportion. Also called: Congenital fiber-type disproportion myopathy; Congenital fiber-type disproportion. Identifiers: Orphanet 2020, MedGen C0546264, MONDO:0009711. Inheritance: all.
King Denborough syndrome (KDS). Identifiers: MedGen C1840365, MONDO:0020485, OMIM 619542.
Malignant hyperthermia, susceptibility to, 1 (MHS1). Also called: Anesthesia related hyperthermia; Malignant hyperpyrexia; Fulminating hyperpyrexia; Pharmacogenic myopathy; RYR1-Related Malignant Hyperthermia Susceptibility; Malignant hyperthermia suceptibility 1. Identifiers: Orphanet 423, MedGen C2930980, MONDO:0007783, OMIM 145600.
RYR1-related disorder. Also called: RYR1-related disorders; RYR1-related condition. Identifiers: MedGen CN239331.
Malignant hyperthermia of anesthesia. Also called: Anesthesic-triggered malignant hyperthermia. Identifiers: Orphanet 423, MedGen C0024591, MONDO:0018493, HP:0034733.

Allele frequency attached by ClinVar (database versions not stated): gnomAD 0.00033 and 0.00036; 1000 Genomes Project 30x 0.00078; ESP Exome Variant Server 0.00015; gnomAD exomes 0.00029 and 0.00034; TOPMed 0.00031; 1000 Genomes Project 0.00100; ExAC 0.00047.
gnomAD v4.1: 468 of 1,614,064 alleles (0.029%); highest among the groups gnomAD compares: Middle Eastern, 0.082%; no homozygotes.

Submissions 1 to 9 of 23:

ClinGen Malignant Hyperthermia Susceptibility Variant Curation Expert Panel, ClinGen
Classification: Uncertain significance for Malignant hyperthermia, susceptibility to, 1. Last evaluated: 2025-08-01. Review status: reviewed by expert panel. Criteria: ClinGen MHS ACMG Specifications V2. Collection method: curation. Allele origin: germline. Inheritance: Autosomal dominant inheritance. Study: ClinGen.
Comment: This pathogenicity assessment is relevant only for malignant hyperthermia susceptibility (MHS) inherited in an autosomal dominant pattern. Variants in RYR1 can also cause other myopathies inherited in an autosomal dominant pattern or in an autosomal recessive pattern. Some of these disorders may predispose individuals to malignant hyperthermia. RYR1 variants may also contribute to a malignant hyperthermia reaction in combination with other genetic and non-genetic factors and the clinician needs to consider such factors in making management decisions. This sequence variant predicts a substitution of Methionine with Valine at codon 485 of the RYR1 protein, p.(Met485Val). The maximum allele frequency for this variant among the six major gnomAD populations is NFE: 0.00061, a frequency consistent with pathogenicity for MHS. This variant has been reported in individuals with central core disease and other myopathies inherited in a recessive pattern. No functional studies were identified for this variant that fulfilled the criteria for functional data as put forth by the ClinGen RYR1 VCEP for MHS (one study tested this variant in myotubes in the presence of other variants (PMID:16940308)). This variant resides in a region of RYR1 considered to be a hotspot for pathogenic variants that contribute to MHS, PM1 (PMID: 21118704). A REVEL score of 0.551 supports neither a pathogenic nor a benign status for this variant. This variant has been classified as a Variant of Unknown Significance. Criteria implemented: PM1.

PreventionGenetics, part of Exact Sciences
Classification: Uncertain significance for RYR1-related condition. Last evaluated: 2026-02-24. Review status: criteria provided, single submitter. Criteria: ACMG Guidelines, 2015. Collection method: clinical testing. Allele origin: germline. Not counted in ClinVar's aggregate classification.
Comment: The RYR1 c.1453A>G variant is predicted to result in the amino acid substitution p.Met485Val. This variant has been reported in individuals with autosomal recessive core myopathy; however, some of these reports show that this variant is in cis with the pathogenic variant c.325C>T (p.Arg109Trp) or is a third RYR1 variant with unknown phasing (Zhou et al. 2006. PubMed ID: 16940308; Matthews et al. 2018. PubMed ID: 29298851; Gonsalves et al. 2013. PubMed ID: 24195946). This variant was been reported in one individual with malignant hyperthermia susceptibility (MHS); however, clinical information was not provided (Dekomien et al. 2005. PubMed ID: 16521286). At PreventionGenetics, we have reported this variant in two unrelated individuals with a muscle biopsy caffeine halothane contracture test consistent with MHS (Internal Data). This variant is reported in 0.061% of alleles in individuals of European (non-Finnish) descent in gnomAD and has been classified as uncertain by the ClinGen Malignant Hyperthermia Susceptibility Variant Curation Expert Panel (Variation ID: 133076). At this time, the clinical significance of this variant is uncertain for both malignant hyperthermia and autosomal recessive RYR1-related myopathy due to the absence of conclusive functional and genetic evidence.

Labcorp Genetics (formerly Invitae), Labcorp
Classification: Likely benign for RYR1-related disorder. Last evaluated: 2026-01-23. Review status: criteria provided, single submitter. Criteria: Invitae Variant Classification Sherloc (09022015). Collection method: clinical testing. Allele origin: germline. Not counted in ClinVar's aggregate classification.

Women's Health and Genetics/Laboratory Corporation of America, LabCorp
Classification: Uncertain significance. Last evaluated: 2025-05-06. Review status: criteria provided, single submitter. Criteria: LabCorp Variant Classification Summary - May 2015. Collection method: clinical testing. Allele origin: germline. Not counted in ClinVar's aggregate classification.
Comment: Variant summary: RYR1 c.1453A>G (p.Met485Val) results in a conservative amino acid change in the encoded protein sequence. Algorithms developed to predict the effect of missense changes on protein structure and function all suggest that this variant is likely to be tolerated. The variant allele was found at a frequency of 0.00034 in 251488 control chromosomes (gnomAD). This frequency is not significantly higher than estimated for a pathogenic variant in RYR1 causing Congenital multicore myopathy with external ophthalmoplegia (0.00034 vs 0.0011), allowing no conclusion about variant significance. c.1453A>G has been observed in individuals affected with clinical features of RYR1-related disorders (Zhou_2013, Matthews_2018, Kushnir_2020). These reports do not provide unequivocal conclusions about association of the variant with Congenital multicore myopathy with external ophthalmoplegia. At least one publication reports experimental evidence evaluating an impact on protein function, however, does not allow convincing conclusions about the variant effect (Amburgey_2013). The following publications have been ascertained in the context of this evaluation (PMID: 23553787, 23919265, 29298851, 32236737, 32528171). ClinVar contains an entry for this variant (Variation ID: 133076). Based on the evidence outlined above, the variant was classified as uncertain significance.

Blueprint Genetics
Classification: Uncertain significance. Last evaluated: 2024-11-20. Review status: criteria provided, single submitter. Criteria: ACMG Guidelines, 2015. Collection method: clinical testing. Allele origin: germline. Not counted in ClinVar's aggregate classification.

Revvity Omics, Revvity
Classification: Uncertain significance. Last evaluated: 2024-11-18. Review status: criteria provided, single submitter. Criteria: ACMG Guidelines, 2015. Collection method: clinical testing. Allele origin: germline. Not counted in ClinVar's aggregate classification.

Color Diagnostics, LLC DBA Color Health
Classification: Likely benign for Malignant hyperthermia, susceptibility to, 1. Last evaluated: 2024-05-21. Review status: criteria provided, single submitter. Criteria: ACMG Guidelines, 2015. Collection method: clinical testing. Allele origin: germline. Not counted in ClinVar's aggregate classification.

All of Us Research Program, National Institutes of Health
Classification: Uncertain significance for Malignant hyperthermia, susceptibility to, 1. Last evaluated: 2024-01-11. Review status: criteria provided, single submitter. Criteria: ACMG Guidelines, 2015. Collection method: clinical testing. Allele origin: germline. Inheritance: Autosomal dominant inheritance. Observed: 80 variant alleles, 80 heterozygotes. Not counted in ClinVar's aggregate classification.
Comment: This missense variant replaces methionine with valine at codon 485 of the RYR1 protein. Computational prediction is inconclusive regarding the impact of this variant on protein structure and function (internally defined REVEL score threshold 0.5 < inconclusive < 0.7, PMID: 27666373). Functional studies using patient-derived myotubes were inconclusive regarding this variant's impact on sensitivity to RYR1 agonists (PMID: 16940308, 18171678). This variant has not been reported in individuals affected with autosomal dominant malignant hyperthermia in the literature, although it has been observed in individuals affected with other conditions (ClinVar Variation ID: 133076). This variant has been identified in 95/282844 chromosomes in the general population by the Genome Aggregation Database (gnomAD). Due to insufficient evidence, this variant is classified as a Variant of Uncertain Significance for autosomal dominant malignant hyperthermia.

This study involves interpretation of variants in research participants for the purpose of population health screening. Participant phenotype was not available at the time of variant classification. Additional details can be found in publication PMID: 35346344, PMCID: PMC8962531

Clinical Genetics Laboratory, Skane University Hospital Lund
Classification: Uncertain significance. Last evaluated: 2023-10-03. Review status: criteria provided, single submitter. Criteria: ACMG Guidelines, 2015. Collection method: clinical testing. Allele origin: germline. Affected: yes. Not counted in ClinVar's aggregate classification.

NM_000540.3(RYR1):c.1453A>G (p.Met485Val)

Genes: RYR1 (ryanodine receptor 1; plus strand), LOC129391106 (MPRA-validated peak3472 silencer; plus strand). Cytogenetic location: 19q13.2.
Variant type: single nucleotide variant.
Coding change: c.1453A>G on transcript NM_000540.3 (MANE Select); coding-DNA position 1453, A replaced by G.
Protein change: p.Met485Val; replaces methionine 485 with valine.
Molecular consequence: missense variant.
Genome position (GRCh38, 1-based): chr19:38,455,247, A>G. VCF-style: chr19-38455247-A-G. GRCh37 (hg19) VCF-style: chr19-38945887-A-G.
Other names: NM_000540.2(RYR1):c.1453A>G; c.1453A>G, p.Met485Val (NM_001042723.2); short protein forms M485V.
Identifiers: ClinVar variation 133076 (VCV000133076.79), dbSNP rs147723844, ClinGen allele CA024169.